The following is an entry in ClinVar:

NM_001166114.2(PNPLA6):c.782T>G (p.Leu261Arg)

Gene: PNPLA6 (patatin like domain 6, lysophospholipase; plus strand). Cytogenetic location: 19p13.2.
Variant type: single nucleotide variant.
Coding change: c.782T>G on transcript NM_001166114.2 (MANE Select); coding-DNA position 782, T replaced by G.
Protein change: p.Leu261Arg; replaces leucine 261 with arginine.
Molecular consequence: missense variant.
Genome position (GRCh38, 1-based): chr19:7,540,697, T>G. VCF-style: chr19-7540697-T-G. GRCh37 (hg19) VCF-style: chr19-7605583-T-G.
Other names: c.809T>G, p.Leu270Arg (NM_001166111.2); c.665T>G, p.Leu222Arg (NM_001166112.2, NM_001166113.1, NM_006702.5); short protein forms L261R, L270R, L222R.
Identifiers: ClinVar variation 1039672 (VCV001039672.9), dbSNP rs2023091581, ClinGen allele CA403105679.

ClinVar aggregate classification (germline): Uncertain significance (1 of 4 stars; one submission).

Conditions:
Hereditary spastic paraplegia 39 (SPG39). Also called: Spastic Paraplegia Type 39 (SPG39); SPASTIC PARAPLEGIA 39, AUTOSOMAL RECESSIVE. Identifiers: Orphanet 139480, MedGen C2677586, MONDO:0012787, OMIM 612020.

Submission:

Labcorp Genetics (formerly Invitae), Labcorp
Classification: Uncertain significance for Hereditary spastic paraplegia 39. Last evaluated: 2020-02-14. Review status: criteria provided, single submitter. Criteria: Invitae Variant Classification Sherloc (09022015). Collection method: clinical testing. Allele origin: germline.
Comment: This sequence change replaces leucine with arginine at codon 222 of the PNPLA6 protein (p.Leu222Arg). The leucine residue is highly conserved and there is a moderate physicochemical difference between leucine and arginine. This variant is not present in population databases (ExAC no frequency). This variant has not been reported in the literature in individuals with PNPLA6-related conditions. Algorithms developed to predict the effect of missense changes on protein structure and function (SIFT, PolyPhen-2, Align-GVGD) all suggest that this variant is likely to be disruptive, but these predictions have not been confirmed by published functional studies and their clinical significance is uncertain. In summary, the available evidence is currently insufficient to determine the role of this variant in disease. Therefore, it has been classified as a Variant of Uncertain Significance.